The following is an entry in ClinVar:

NM_003242.6(TGFBR2):c.1394G>A (p.Gly465Glu)

Gene: TGFBR2 (transforming growth factor beta receptor 2; plus strand). Cytogenetic location: 3p24.1.
Variant type: single nucleotide variant.
Coding change: c.1394G>A on transcript NM_003242.6 (MANE Select); coding-DNA position 1394, G replaced by A.
Protein change: p.Gly465Glu; replaces glycine 465 with glutamic acid.
Molecular consequence: missense variant.
Genome position (GRCh38, 1-based): chr3:30,674,244, G>A. VCF-style: chr3-30674244-G-A. GRCh37 (hg19) VCF-style: chr3-30715736-G-A.
Other names: c.1469G>A, p.Gly490Glu (NM_001024847.3); c.1577G>A, p.Gly526Glu (NM_001407126.1); c.1502G>A, p.Gly501Glu (NM_001407127.1); c.1421G>A, p.Gly474Glu (NM_001407128.1); c.1397G>A, p.Gly466Glu (NM_001407129.1); c.1394G>A, p.Gly465Glu (NM_001407130.1); c.1289G>A, p.Gly430Glu (NM_001407132.1, NM_001407133.1, NM_001407134.1 and 2 more transcripts); c.1109G>A, p.Gly370Glu (NM_001407137.1); and 1 more; short protein forms G370E, G526E, G474E, G490E, G465E, G466E, G345E, G430E.
Identifiers: ClinVar variation 1994363 (VCV001994363.5), dbSNP rs2125439452, ClinGen allele CA351809171.

ClinVar aggregate classification (germline): Uncertain significance. Review status: criteria provided, multiple submitters, no conflicts (2 of 4 stars). 2 submissions from 2 submitters: Uncertain significance (2). Last evaluated 2026-08-06.

Conditions:
Familial thoracic aortic aneurysm and aortic dissection (TAAD). Also called: Thoracic aortic aneurysms and dissections. Identifiers: Orphanet 91387, MedGen C4707243, MONDO:0019625.
Loeys-Dietz syndrome 2 (LDS2). Also called: TGFBR2-Related Loeys-Dietz Syndrome; Marfan Syndrome type 2; Marfan like connective tissue disorder; MFS 2; AORTIC ANEURYSM, FAMILIAL THORACIC 3; MARFAN SYNDROME, TYPE II. Identifiers: Orphanet 284973, Orphanet 558, MedGen C2674574, MONDO:0012427, OMIM 610168.

Submissions (2):

OLLIN Analises Genomicas, OLLIN
Classification: Uncertain significance for Loeys-Dietz syndrome 2. Last evaluated: 2026-08-06. Review status: criteria provided, single submitter. Criteria: ACMG Guidelines 2015 PMID 25741868. Collection method: clinical testing. Allele origin: germline.
Comment: This missense variant, located in exon 5 (of 7), is absent from gnomAD and has not been identified in the literature. However, it has been reported in ClinVar (accession VCV001994363.4). In silico analysis predicts that this variant has a deleterious effect. This gene is constrained for missense variation. According to the currently available evidence, this variant has been classified as uncertain significance (PM2_P, PP2, PP3).

Labcorp Genetics (formerly Invitae), Labcorp
Classification: Uncertain significance for Familial thoracic aortic aneurysm and aortic dissection. Last evaluated: 2022-05-14. Review status: criteria provided, single submitter. Criteria: Invitae Variant Classification Sherloc (09022015). Collection method: clinical testing. Allele origin: germline.
Comment: This variant has not been reported in the literature in individuals affected with TGFBR2-related conditions. In summary, the available evidence is currently insufficient to determine the role of this variant in disease. Therefore, it has been classified as a Variant of Uncertain Significance. Algorithms developed to predict the effect of missense changes on protein structure and function are either unavailable or do not agree on the potential impact of this missense change (SIFT: "Tolerated"; PolyPhen-2: "Probably Damaging"; Align-GVGD: "Class C0"). This variant is not present in population databases (gnomAD no frequency). This sequence change replaces glycine, which is neutral and non-polar, with glutamic acid, which is acidic and polar, at codon 465 of the TGFBR2 protein (p.Gly465Glu).